The following is an entry in ClinVar:

ClinVar aggregate classification (germline): Pathogenic (0 of 4 stars; one submission).

Conditions:
Camptomelic dysplasia (CMPD). Also called: CMPD1/SRA1; Campomelic Dysplasia. Identifiers: Orphanet 140, MedGen C1861922, MONDO:0007251, OMIM 114290.

Submission:

Clinical Genetics, Synlab MVZ Humangenetik Freiburg
Classification: Pathogenic for Camptomelic dysplasia. Last evaluated: 2023-07-25. Review status: no assertion criteria provided. Collection method: clinical testing. Allele origin: germline. Affected: yes.
Comment: Deletions including the SOX9 gene are a known cause of campomelic dysplasia and have been described before (Pop et al., 2004, Smyk et al., 2007, Aradhya et al., 2012). The detected deletion is not listed in control databases (gnomAD SVs v2.1, dgv) and Decipher (v11.21) lists no comparable deletion. In Clingen, SOX9 is curated as haploinsufficient gene. We rate the 1,15 Mb deletion of SOX9 as pathogenic.

GRCh37/hg19 17q24.3(chr17:69144877-70295109)x1

Gene: SOX9 (SRY-box transcription factor 9; plus strand). Cytogenetic location: 17q24.3.
Variant type: copy number loss.
Change: copy number 1 (one copy instead of two) of chr17:69,144,877-70,295,109 (1.15 Mb, GRCh37 coordinates, 1-based), cytogenetic band 17q24.3.
Identifiers: ClinVar variation 3384222 (VCV003384222.1).